The following is an entry in ClinVar:

ClinVar aggregate classification (germline): Uncertain significance (1 of 4 stars; one submission).

gnomAD v4.1: 1 of 1,562,158 alleles (0.000064%); highest among the groups gnomAD compares: African/African-American, 0.0017%; no homozygotes.

Submission:

Labcorp Genetics (formerly Invitae), Labcorp
Classification: Uncertain significance. Last evaluated: 2025-07-11. Review status: criteria provided, single submitter. Criteria: Invitae Variant Classification Sherloc (09022015). Collection method: clinical testing. Allele origin: germline.
Comment: This sequence change replaces aspartic acid, which is acidic and polar, with glutamic acid, which is acidic and polar, at codon 139 of the FGF12 protein (p.Asp139Glu). This variant is present in population databases (no rsID available, gnomAD 0.008%). This variant has not been reported in the literature in individuals affected with FGF12-related conditions. An algorithm developed to predict the effect of missense changes on protein structure and function (PolyPhen-2) suggests that this variant is likely to be tolerated. In summary, the available evidence is currently insufficient to determine the role of this variant in disease. Therefore, it has been classified as a Variant of Uncertain Significance.

NM_004113.6(FGF12):c.231T>G (p.Asp77Glu)

Gene: FGF12 (fibroblast growth factor 12; minus strand). Cytogenetic location: 3q28.
Variant type: single nucleotide variant.
Coding change: c.231T>G on transcript NM_004113.6 (MANE Select); coding-DNA position 231, T replaced by G.
Protein change: p.Asp77Glu; replaces aspartic acid 77 with glutamic acid.
Molecular consequence: missense variant.
Genome position (GRCh38, 1-based): chr3:192,170,654, A>C on the plus strand (T>G on the coding strand, the complement: FGF12 is on the minus strand). VCF-style: chr3-192170654-A-C. GRCh37 (hg19) VCF-style: chr3-191888443-A-C.
Other names: c.120T>G, p.Asp40Glu (NM_001377292.1); c.159T>G, p.Asp53Glu (NM_001377293.1, NM_001377294.1); c.417T>G, p.Asp139Glu (NM_021032.5); short protein forms D40E, D139E, D53E, D77E.
Identifiers: ClinVar variation 4723004 (VCV004723004.1).